The following is an entry in ClinVar:

ClinVar aggregate classification (germline): Likely pathogenic. Review status: criteria provided, single submitter (1 of 4 stars). 3 submissions from 1 submitter: Likely pathogenic (1). 2 of the submissions do not count toward it. Last evaluated 2024-03-14.

Conditions:
Bardet-Biedl syndrome (BBS). Identifiers: Orphanet 110, MedGen C0752166, MONDO:0015229.
Bardet-Biedl syndrome 5 (BBS5). Identifiers: Orphanet 110, MedGen C3892039, MONDO:0014434, OMIM 615983.

Submissions (3):

Genomic Medicine Center of Excellence, King Faisal Specialist Hospital and Research Centre
Classification: Likely pathogenic for Bardet-Biedl syndrome 5. Last evaluated: 2024-03-14. Review status: criteria provided, single submitter. Criteria: ACMG Guidelines, 2015. Collection method: research. Allele origin: germline.

Genomic Medicine Center of Excellence, King Faisal Specialist Hospital and Research Centre
Classification: Likely pathogenic. Review status: flagged submission. Criteria: ACMG Guidelines, 2015. Collection method: research. Allele origin: germline. Affected: yes. Not counted in ClinVar's aggregate classification.
ClinVar note: Reason: This record appears to be redundant with a more recent record from the same submitter.
ClinVar note: Notes: SCV000221697 appears to be redundant with SCV000322773.

Genomic Medicine Center of Excellence, King Faisal Specialist Hospital and Research Centre
Classification: Likely pathogenic for Bardet-Biedl syndrome. Review status: flagged submission. Collection method: research. Allele origin: germline. Affected: yes. Observed: 2 homozygotes. Clinical features observed: Obesity, RP, DD. Not counted in ClinVar's aggregate classification.
ClinVar note: Reason: This record appears to be redundant with a more recent record from the same submitter.
ClinVar note: Notes: SCV000322773 appears to be redundant with SCV004801258.

NM_152384.3(BBS5):c.532G>A (p.Gly178Arg)

Gene: BBS5 (Bardet-Biedl syndrome 5; plus strand). Cytogenetic location: 2q31.1.
Variant type: single nucleotide variant.
Coding change: c.532G>A on transcript NM_152384.3 (MANE Select); coding-DNA position 532, G replaced by A.
Protein change: p.Gly178Arg; replaces glycine 178 with arginine.
Molecular consequence: missense variant.
Genome position (GRCh38, 1-based): chr2:169,493,750, G>A. VCF-style: chr2-169493750-G-A. GRCh37 (hg19) VCF-style: chr2-170350260-G-A.
Other names: short protein forms G178R.
Identifiers: ClinVar variation 191306 (VCV000191306.3), dbSNP rs786205636, ClinGen allele CA236417.
Genomic context (GRCh38, chr2:169,493,750, plus strand): 5'-ATAGGTACCAAAAAAATGATCATTTCGGTATCTCATTACTGTTTTTTACAGGGCAATTTA[G>A]GAACCTTTTTTATTACCAATGTGAGAATTGTGTGGCATGCAAATATGAATGATAGTTTTA-3'
Protein context (NP_689597.1, residues 168-188): WNLSSDQGNL[Gly178Arg]TFFITNVRIV